The following is an entry in ClinVar:

ClinVar aggregate classification (germline): Likely benign (0 of 4 stars; one submission).

Conditions:
CHRNA7-related disorder. Also called: CHRNA7-related condition.

Allele frequency attached by ClinVar (database versions not stated): gnomAD 0.00001; gnomAD exomes 0.00002; TOPMed 0.00002; ExAC 0.00016.
gnomAD v4.1: 11 of 1,557,196 alleles (0.00071%); highest among the groups gnomAD compares: Admixed American, 0.019%; no homozygotes.

Submission:

PreventionGenetics, part of Exact Sciences
Classification: Likely benign for CHRNA7-related condition. Last evaluated: 2021-10-06. Review status: no assertion criteria provided. Collection method: clinical testing. Allele origin: germline.
Comment: This variant is classified as likely benign based on ACMG/AMP sequence variant interpretation guidelines (Richards et al. 2015 PMID: 25741868, with internal and published modifications).

NM_000746.6(CHRNA7):c.55+35G>T

Gene: CHRNA7 (cholinergic receptor nicotinic alpha 7 subunit). Cytogenetic location: 15q13.3.
Variant type: single nucleotide variant.
Coding change: c.55+35G>T on transcript NM_000746.6 (MANE Select); 35 bases into the intron after coding-DNA position 55, G replaced by T.
Molecular consequence: intron variant. On other transcripts: synonymous variant (1).
Genome position (GRCh38, 1-based): chr15:32,030,684, G>T. VCF-style: chr15-32030684-G-T. GRCh37 (hg19) VCF-style: chr15-32322887-G-T.
Other names: c.90G>T, p.Pro30= (NM_001190455.3).
Identifiers: ClinVar variation 3032623 (VCV003032623.2), dbSNP rs771965146, ClinGen allele CA7454061.
Genomic context (GRCh38, chr15:32,030,684, plus strand): 5'-GGCGCTGGCCGCGTCGCTCCTGCACGGTAAAGCCACTGCCTCCCCGCCCTCCACTCCTCC[G>T]TGGGATCCCGGGCACATCCCGGGCGCCTCTGTGCGCCCCGCGCCTGGGCCAGGTTTGGGA-3'